The following is an entry in ClinVar:

ClinVar aggregate classification (germline): Uncertain significance (1 of 4 stars; one submission).

Conditions:
Autosomal recessive limb-girdle muscular dystrophy type 2A (LGMDR1). Also called: Limb-girdle muscular dystrophy, type 2A; LEYDEN-MOEBIUS MUSCULAR DYSTROPHY; MUSCULAR DYSTROPHY, PELVOFEMORAL; Muscular dystrophy, limb-girdle, type 2A, Amish; Calpainopathy. Identifiers: Orphanet 267, MedGen C1869123, MONDO:0009675, OMIM 253600. Disease mechanism: loss of function.

Allele frequency attached by ClinVar (database versions not stated): TOPMed below 0.00001.

Submission:

Labcorp Genetics (formerly Invitae), Labcorp
Classification: Uncertain significance for Autosomal recessive limb-girdle muscular dystrophy type 2A. Last evaluated: 2021-09-01. Review status: criteria provided, single submitter. Criteria: Invitae Variant Classification Sherloc (09022015). Collection method: clinical testing. Allele origin: germline.
Comment: This sequence change replaces asparagine with serine at codon 108 of the CAPN3 protein (p.Asn108Ser). The asparagine residue is highly conserved and there is a small physicochemical difference between asparagine and serine. This variant is not present in population databases (ExAC no frequency). This variant has not been reported in the literature in individuals affected with CAPN3-related conditions. Algorithms developed to predict the effect of missense changes on protein structure and function are either unavailable or do not agree on the potential impact of this missense change (SIFT: "Deleterious"; PolyPhen-2: "Probably Damaging"; Align-GVGD: "Class C0"). In summary, the available evidence is currently insufficient to determine the role of this variant in disease. Therefore, it has been classified as a Variant of Uncertain Significance.

NM_000070.3(CAPN3):c.323A>G (p.Asn108Ser)

Gene: CAPN3 (calpain 3; plus strand). Cytogenetic location: 15q15.1.
Variant type: single nucleotide variant.
Coding change: c.323A>G on transcript NM_000070.3 (MANE Select); coding-DNA position 323, A replaced by G.
Protein change: p.Asn108Ser; replaces asparagine 108 with serine.
Molecular consequence: missense variant.
Genome position (GRCh38, 1-based): chr15:42,384,496, A>G. VCF-style: chr15-42384496-A-G. GRCh37 (hg19) VCF-style: chr15-42676694-A-G.
Other names: c.323A>G, p.Asn108Ser (NM_024344.2, NM_173087.2); short protein forms N108S.
Identifiers: ClinVar variation 1491382 (VCV001491382.5), dbSNP rs2053333610, ClinGen allele CA391997333.
Genomic context (GRCh38, chr15:42,384,496, plus strand): 5'-TCTATCTACTGTTATTCTTACCTGGTCATTTCCTTTTTGTTTCACAGGAAATTTGCGAGA[A>G]TCCCCGATTTATCATTGATGGAGCCAACAGAACTGACATCTGTCAAGGAGAGCTAGGTAG-3'
Protein context (NP_000061.1, residues 98-118): VWKRPPEICE[Asn108Ser]PRFIIDGANR